The following is an entry in ClinVar:

ClinVar aggregate classification (germline): Pathogenic (1 of 4 stars; one submission).

Conditions:
Pontocerebellar hypoplasia type 1A (PCH1A). Also called: PONTOCEREBELLAR HYPOPLASIA WITH ANTERIOR HORN CELL DISEASE; PONTOCEREBELLAR HYPOPLASIA WITH INFANTILE SPINAL MUSCULAR ATROPHY. Identifiers: Orphanet 2254, Orphanet 88616, MedGen C1843504, MONDO:0011866, OMIM 607596.

Submission:

Labcorp Genetics (formerly Invitae), Labcorp
Classification: Pathogenic for Pontocerebellar hypoplasia type 1A. Last evaluated: 2022-08-06. Review status: criteria provided, single submitter. Criteria: Invitae Variant Classification Sherloc (09022015). Collection method: clinical testing. Allele origin: germline.
Comment: For these reasons, this variant has been classified as Pathogenic. This sequence change creates a premature translational stop signal (p.Lys211Asnfs*40) in the VRK1 gene. It is expected to result in an absent or disrupted protein product. Loss-of-function variants in VRK1 are known to be pathogenic (PMID: 19646678, 24126608, 27281532). This variant is not present in population databases (gnomAD no frequency). This variant has not been reported in the literature in individuals affected with VRK1-related conditions.

Literature cited by the submitters: PubMed 19646678; PubMed 24126608; PubMed 27281532.

NM_003384.3(VRK1):c.633_636del (p.Lys211fs)

Gene: VRK1 (VRK serine/threonine kinase 1; plus strand). Cytogenetic location: 14q32.2.
Variant type: Deletion.
Coding change: c.633_636del on transcript NM_003384.3 (MANE Select); coding-DNA positions 633 to 636, 4 bases deleted (AGAA; older notation c.633_636delAGAA).
Protein change: p.Lys211fs; shifts the reading frame from lysine 211.
Molecular consequence: frameshift variant.
Genome position (GRCh38, 1-based): chr14:96,855,280-96,855,283, AGAA deleted; deleting any 4 consecutive bases within chr14:96,855,278-96,855,283 gives the same sequence; the c. name uses the placement nearest the transcript's 3' end. VCF-style (leftmost placement, unchanged base first): chr14-96855277-TAAAG-T. GRCh37 (hg19) VCF-style: chr14-97321614-TAAAG-T.
Other names: c.633_636delAGAA, p.Lys211Asnfs (NM_001411053.1, NM_001411051.1); short protein forms K211fs.
Identifiers: ClinVar variation 2167963 (VCV002167963.4), dbSNP rs2504191241, ClinGen allele CA2580089049.
Genomic context (GRCh38, chr14:96,855,277, plus strand): 5'-TTTATAGGTGTACTTGGTAGATTATGGCCTTGCTTATCGGTACTGCCCAGAAGGAGTTCA[TAAAG>T]AATACAAAGAAGACCCCAAAAGATGTCACGATGGCACTATTGAATTCACGAGCATCGATG-3'